The following is an entry in ClinVar:

ClinVar aggregate classification (germline): Conflicting classifications of pathogenicity. Review status: criteria provided, conflicting classifications (1 of 4 stars). 5 submissions from 5 submitters: Uncertain significance (4); Likely benign (1). Last evaluated 2025-11-24.

Conditions:
Cardiovascular phenotype. Identifiers: MedGen CN230736.
Cardiomyopathy (CMYO). Also called: Cardiomyopathies. Identifiers: Orphanet 167848, MedGen C0878544, MONDO:0004994, HP:0001638. Inheritance: Various modes of inheritance.
Hypertrophic cardiomyopathy. Also called: HYPERTROPHIC MYOCARDIOPATHY. Identifiers: Orphanet 217569, MedGen C0007194, MeSH D002312, MONDO:0005045, HP:0001639.

Allele frequency attached by ClinVar (database versions not stated): gnomAD 0.00001; TOPMed 0.00002.
gnomAD v4.1: 5 of 1,570,846 alleles (0.00032%); highest among the groups gnomAD compares: Admixed American, 0.0037%; no homozygotes.

Submissions (5):

Labcorp Genetics (formerly Invitae), Labcorp
Classification: Likely benign for Hypertrophic cardiomyopathy. Last evaluated: 2025-11-24. Review status: criteria provided, single submitter. Criteria: Invitae Variant Classification Sherloc (09022015). Collection method: clinical testing. Allele origin: germline.

Ambry Genetics
Classification: Uncertain significance for Cardiovascular phenotype. Last evaluated: 2025-02-03. Review status: criteria provided, single submitter. Criteria: Ambry Variant Classification Scheme 2023. Collection method: clinical testing. Allele origin: germline.
Comment: The c.822-5C>G intronic variant results from a C to G substitution 5 nucleotides upstream from coding exon 8 in the MYBPC3 gene. This nucleotide position is well conserved in available vertebrate species. In silico splice site analysis predicts that this alteration will not have any significant effect on splicing. Based on the available evidence, the clinical significance of this variant remains unclear.

All of Us Research Program, National Institutes of Health
Classification: Uncertain significance for Hypertrophic cardiomyopathy. Last evaluated: 2024-02-05. Review status: criteria provided, single submitter. Criteria: ACMG Guidelines, 2015. Collection method: clinical testing. Allele origin: germline. Inheritance: Autosomal dominant inheritance. Observed: 4 variant alleles, 4 heterozygotes.
Comment: This variant causes a C to G nucleotide substitution at the -5 position of intron 7 of the MYBPC3 gene. To our knowledge, functional studies have not been reported for this variant. This variant has not been reported in individuals affected with MYBPC3-related disorders in the literature. This variant has been identified in 2/212518 chromosomes in the general population by the Genome Aggregation Database (gnomAD). The available evidence is insufficient to determine the role of this variant in disease conclusively. Therefore, this variant is classified as a Variant of Uncertain Significance.

This study involves interpretation of variants in research participants for the purpose of population health screening. Participant phenotype was not available at the time of variant classification. Additional details can be found in publication PMID: 35346344, PMCID: PMC8962531

Color Diagnostics, LLC DBA Color Health
Classification: Uncertain significance for Cardiomyopathy. Last evaluated: 2023-09-15. Review status: criteria provided, single submitter. Criteria: ACMG Guidelines, 2015. Collection method: clinical testing. Allele origin: germline.
Comment: This variant causes a C to G nucleotide substitution at the -5 position of intron 7 of the MYBPC3 gene. To our knowledge, functional studies have not been reported for this variant. This variant has not been reported in individuals affected with MYBPC3-related disorders in the literature. This variant has been identified in 2/212518 chromosomes in the general population by the Genome Aggregation Database (gnomAD). The available evidence is insufficient to determine the role of this variant in disease conclusively. Therefore, this variant is classified as a Variant of Uncertain Significance.

Blueprint Genetics
Classification: Uncertain significance. Last evaluated: 2022-10-18. Review status: criteria provided, single submitter. Criteria: ACMG Guidelines, 2015. Collection method: clinical testing. Allele origin: germline.

NC_000011.10:g.47347685G>C

Gene: MYBPC3 (myosin binding protein C3; minus strand). Cytogenetic location: 11p11.2.
Variant type: single nucleotide variant.
Genome position: GRCh38 VCF-style: chr11-47347685-G-C. GRCh37 (hg19) VCF-style: chr11-47369236-G-C.
Other names: c.822-5C>G (NM_000256.3, LRG_386t1).
Identifiers: ClinVar variation 237431 (VCV000237431.15), dbSNP rs764381544, ClinGen allele CA10582920.
Genomic context (GRCh38, chr11:47,347,685, plus strand): 5'-GCAGGTAGGGCCTGGGGCAGGGGTACCTGATCCGCCGACCACCTCCAGCCAGGCTCCTGT[G>C]GGGGTTAGACTCAGTATCCTCACCTGCCTGGGAAGCTTGCTCTCCCCTGCAGCCCCCACT-3'